The following is an entry in ClinVar:

ClinVar aggregate classification (germline): Likely benign (0 of 4 stars; one submission).

Conditions:
FSIP2-related disorder. Also called: FSIP2-related condition.

Allele frequency attached by ClinVar (database versions not stated): gnomAD exomes 0.00083; ExAC 0.00100; gnomAD 0.00751; 1000 Genomes Project 0.00839; TOPMed 0.00878; 1000 Genomes Project 30x 0.00890.
gnomAD v4.1: 2,420 of 1,528,254 alleles (0.16%); highest among the groups gnomAD compares: African/African-American, 2.7%; 36 homozygotes.

Submission:

PreventionGenetics, part of Exact Sciences
Classification: Likely benign for FSIP2-related condition. Last evaluated: 2019-04-11. Review status: no assertion criteria provided. Collection method: clinical testing. Allele origin: germline.
Comment: This variant is classified as likely benign based on ACMG/AMP sequence variant interpretation guidelines (Richards et al. 2015 PMID: 25741868, with internal and published modifications).

NM_173651.4(FSIP2):c.10212G>A (p.Arg3404=)

Genes: FSIP2 (fibrous sheath interacting protein 2; plus strand), FSIP2-AS1 (FSIP2 antisense RNA 1; minus strand). Cytogenetic location: 2q32.1.
Variant type: single nucleotide variant.
Coding change: c.10212G>A on transcript NM_173651.4 (MANE Select); coding-DNA position 10212, G replaced by A.
Protein change: p.Arg3404=; no amino-acid change (arginine 3404 retained).
Molecular consequence: synonymous variant.
Genome position (GRCh38, 1-based): chr2:185,797,348, G>A. VCF-style: chr2-185797348-G-A. GRCh37 (hg19) VCF-style: chr2-186662075-G-A.
Identifiers: ClinVar variation 3039066 (VCV003039066.2), dbSNP rs10173413, ClinGen allele CA2016904.
Genomic context (GRCh38, chr2:185,797,348, plus strand): 5'-GCAGGATAAAAAAATCAACTATATACCTGAGGAAGAAAATGAAAACCTTGAAGCCAGCCG[G>A]GAAGATTCTTCTTTTTTGCAAAAATTGAAAAAAAAGGAGTACCCAAAGATAGAGACTGTG-3'
Protein context (NP_775922.3, residues 3394-3414): EEENENLEAS[Arg3404=]EDSSFLQKLK